The following is an entry in ClinVar:

NC_000020.10:g.(?_62290736)_(62327158_?)dup

Genes: RTEL1-TNFRSF6B (RTEL1-TNFRSF6B readthrough (NMD candidate); plus strand), RTEL1 (regulator of telomere elongation helicase 1; plus strand), LOC128772425 (melanoma risk locus-associated MPRA allelic enhancer 20:62307938; plus strand), LOC128772426 (melanoma risk locus-associated MPRA allelic enhancer 20:62320674; plus strand). Cytogenetic location: 20q13.33.
Variant type: Duplication.
Identifiers: ClinVar variation 540967 (VCV000540967.11).

ClinVar aggregate classification (germline): Uncertain significance (1 of 4 stars; one submission).

Conditions:
Dyskeratosis congenita, autosomal recessive 5 (DKCB5). Identifiers: MedGen C3554656, MONDO:0014076, OMIM 615190.
Pulmonary fibrosis and/or bone marrow failure, Telomere-related, 3. Also called: PULMONARY FIBROSIS AND/OR BONE MARROW FAILURE SYNDROME, TELOMERE-RELATED, 3. Identifiers: Orphanet 2032, MedGen C4225346, MONDO:0014613, OMIM 616373.

Submission:

Labcorp Genetics (formerly Invitae), Labcorp
Classification: Uncertain significance for Dyskeratosis congenita, autosomal recessive 5; Pulmonary fibrosis and/or bone marrow failure, Telomere-related, 3. Last evaluated: 2017-08-01. Review status: criteria provided, single submitter. Criteria: Invitae Variant Classification Sherloc (09022015). Collection method: clinical testing. Allele origin: germline.
Comment: Experimental studies are not available for this variant, and the functional significance of this duplication is currently unknown. In summary, the available evidence is currently insufficient to determine the role of this variant in disease. Therefore, it has been classified as a Variant of Uncertain Significance. A duplication of the RTEL1 gene has not been reported in the literature in individuals affected with RTEL1-related disease. A gross duplication of the genomic region encompassing the full coding sequence of the RTEL1 gene has been identified. The boundaries of this event are unknown as the duplication extends beyond the assayed region for this gene and therefore may encompass additional genes. The exact location of this variant in the genome is unknown.